The following is an entry in ClinVar:

NM_001031689.3(PLAA):c.21G>T (p.Arg7Ser)

Gene: PLAA (phospholipase A2 activating protein; minus strand). Cytogenetic location: 9p21.2.
Variant type: single nucleotide variant.
Coding change: c.21G>T on transcript NM_001031689.3 (MANE Select); coding-DNA position 21, G replaced by T.
Protein change: p.Arg7Ser; replaces arginine 7 with serine.
Molecular consequence: missense variant.
Genome position (GRCh38, 1-based): chr9:26,947,025, C>A on the plus strand (G>T on the coding strand, the complement: PLAA is on the minus strand). VCF-style: chr9-26947025-C-A. GRCh37 (hg19) VCF-style: chr9-26947023-C-A.
Other names: c.21G>T, p.Arg7Ser (NM_001321546.2); c.21G>T (NM_001031689.2); short protein forms R7S.
Identifiers: ClinVar variation 1438308 (VCV001438308.7), dbSNP rs535078633, ClinGen allele CA5014750.
Genomic context (GRCh38, chr9:26,947,025, plus strand): 5'-GCAGCACACCAGGCCCCGTACGTCCAGCTCGTGGCCCCGGAGCGAGCAGCTCAGCCGGTA[C>A]CTGGTTGCGCCGCTCGTCATGGCCAGTGTCTGTCTGGCGCCCGGTGCCCAGGCACTGTGC-3'
Protein context (NP_001026859.1, residues 1-17): MTSGAT[Arg7Ser]YRLSCSLRGH

ClinVar aggregate classification (germline): Uncertain significance. Review status: criteria provided, multiple submitters, no conflicts (2 of 4 stars). 2 submissions from 2 submitters: Uncertain significance (2). Last evaluated 2024-08-11.

Conditions:
Inborn genetic diseases. Identifiers: MedGen C0950123, MeSH D030342.

Allele frequency attached by ClinVar (database versions not stated): gnomAD 0.00001 and 0.00003; TOPMed 0.00002; gnomAD exomes 0.00009 and 0.00018; ExAC 0.00044.
gnomAD v4.1: 141 of 1,587,544 alleles (0.0089%); highest among the groups gnomAD compares: South Asian, 0.11%; no homozygotes.

Submissions (2):

Ambry Genetics
Classification: Uncertain significance for Inborn genetic diseases. Last evaluated: 2024-08-11. Review status: criteria provided, single submitter. Criteria: Ambry Variant Classification Scheme 2023. Collection method: clinical testing. Allele origin: germline.

Labcorp Genetics (formerly Invitae), Labcorp
Classification: Uncertain significance. Last evaluated: 2024-06-17. Review status: criteria provided, single submitter. Criteria: Invitae Variant Classification Sherloc (09022015). Collection method: clinical testing. Allele origin: germline.
Comment: This sequence change replaces arginine, which is basic and polar, with serine, which is neutral and polar, at codon 7 of the PLAA protein (p.Arg7Ser). This variant is present in population databases (rs535078633, gnomAD 0.1%). This variant has not been reported in the literature in individuals affected with PLAA-related conditions. ClinVar contains an entry for this variant (Variation ID: 1438308). Advanced modeling of protein sequence and biophysical properties (such as structural, functional, and spatial information, amino acid conservation, physicochemical variation, residue mobility, and thermodynamic stability) performed at Invitae indicates that this missense variant is not expected to disrupt PLAA protein function with a negative predictive value of 80%. In summary, the available evidence is currently insufficient to determine the role of this variant in disease. Therefore, it has been classified as a Variant of Uncertain Significance.